The following is an entry in ClinVar:

ClinVar aggregate classification (germline): Pathogenic (1 of 4 stars; one submission).

Conditions:
Polycystic kidney disease, adult type (PKD1). Also called: POLYCYSTIC KIDNEY DISEASE 1 WITH OR WITHOUT POLYCYSTIC LIVER DISEASE; Polycystic Kidney Disease 1, Autosomal Dominant; Polycystic kidney disease 1; Polycystic kidney disease 1, severe; Polycystic Kidney, Autosomal Dominant; POLYCYSTIC KIDNEY DISEASE, ADULT, TYPE I. Identifiers: MedGen C3149841, MONDO:0008263, OMIM 173900.

Submission:

Cavalleri Lab, Royal College of Surgeons in Ireland
Classification: Pathogenic for Polycystic kidney disease, adult type. Last evaluated: 2020-02-05. Review status: criteria provided, single submitter. Criteria: ACMG Guidelines, 2015. Collection method: research. Allele origin: unknown. Inheritance: Autosomal dominant inheritance. Affected: yes.
Comment: PVS1, PM2, PP4, PP5

NM_001009944.3(PKD1):c.11119C>T (p.Gln3707Ter)

Genes: PKD1 (polycystin 1, transient receptor potential channel interacting; minus strand), PKD1-AS1 (PKD1 antisense RNA 1; plus strand). Cytogenetic location: 16p13.3.
Variant type: single nucleotide variant.
Coding change: c.11119C>T on transcript NM_001009944.3 (MANE Select); coding-DNA position 11119, C replaced by T.
Protein change: p.Gln3707Ter; replaces glutamine 3707 with a stop codon.
Molecular consequence: nonsense. On other transcripts: non-coding transcript variant (1).
Genome position (GRCh38, 1-based): chr16:2,092,991, G>A on the plus strand (C>T on the coding strand, the complement: PKD1 is on the minus strand). VCF-style: chr16-2092991-G-A. GRCh37 (hg19) VCF-style: chr16-2142992-G-A.
Other names: c.11116C>T, p.Gln3706Ter (NM_000296.4); short protein forms Q3706*, Q3707*.
Identifiers: ClinVar variation 873392 (VCV000873392.1), dbSNP rs2091668243, ClinGen allele CA394336871.